The following is an entry in ClinVar:

ClinVar aggregate classification (germline): Uncertain significance (1 of 4 stars; one submission).

Conditions:
Tuberous sclerosis 2 (TSC2). Identifiers: Orphanet 805, MedGen C1860707, MONDO:0013199, OMIM 613254.

Submission:

Labcorp Genetics (formerly Invitae), Labcorp
Classification: Uncertain significance for Tuberous sclerosis 2. Last evaluated: 2023-12-19. Review status: criteria provided, single submitter. Criteria: Invitae Variant Classification Sherloc (09022015). Collection method: clinical testing. Allele origin: germline.
Comment: This sequence change replaces glutamic acid, which is acidic and polar, with lysine, which is basic and polar, at codon 1413 of the TSC2 protein (p.Glu1413Lys). This variant is not present in population databases (gnomAD no frequency). This variant has not been reported in the literature in individuals affected with TSC2-related conditions. Advanced modeling of protein sequence and biophysical properties (such as structural, functional, and spatial information, amino acid conservation, physicochemical variation, residue mobility, and thermodynamic stability) performed at Invitae indicates that this missense variant is not expected to disrupt TSC2 protein function with a negative predictive value of 95%. Algorithms developed to predict the effect of sequence changes on RNA splicing suggest that this variant may create or strengthen a splice site. In summary, the available evidence is currently insufficient to determine the role of this variant in disease. Therefore, it has been classified as a Variant of Uncertain Significance.

NM_000548.5(TSC2):c.4237G>A (p.Glu1413Lys)

Gene: TSC2 (TSC complex subunit 2; plus strand). Cytogenetic location: 16p13.3.
Variant type: single nucleotide variant.
Coding change: c.4237G>A on transcript NM_000548.5 (MANE Select); coding-DNA position 4237, G replaced by A.
Protein change: p.Glu1413Lys; replaces glutamic acid 1413 with lysine.
Molecular consequence: missense variant. On other transcripts: non-coding transcript variant (5).
Genome position (GRCh38, 1-based): chr16:2,084,459, G>A. VCF-style: chr16-2084459-G-A. GRCh37 (hg19) VCF-style: chr16-2134460-G-A.
Other names: c.4069G>A, p.Glu1357Lys (NM_001318832.2); c.4039G>A, p.Glu1347Lys (NM_001363528.2); c.4105G>A, p.Glu1369Lys (NM_001370404.1); c.4108G>A, p.Glu1370Lys (NM_001370405.1, NM_021055.3); c.4234G>A, p.Glu1412Lys (NM_001406663.1); c.4165G>A, p.Glu1389Lys (NM_001406664.1); c.4159G>A, p.Glu1387Lys (NM_001406665.1); c.4129G>A, p.Glu1377Lys (NM_001406667.1); and 26 more; short protein forms E1147K, E1310K, E1340K, E1347K, E1353K, E1357K, E1387K, E812K.
Identifiers: ClinVar variation 2714249 (VCV002714249.3), dbSNP rs2151528836, ClinGen allele CA394300310.